The following is an entry in ClinVar:

NM_001130823.3(DNMT1):c.2443G>A (p.Ala815Thr)

Gene: DNMT1 (DNA methyltransferase 1; minus strand). Cytogenetic location: 19p13.2.
Variant type: single nucleotide variant.
Coding change: c.2443G>A on transcript NM_001130823.3 (MANE Select); coding-DNA position 2443, G replaced by A.
Protein change: p.Ala815Thr; replaces alanine 815 with threonine.
Molecular consequence: missense variant.
Genome position (GRCh38, 1-based): chr19:10,149,596, C>T on the plus strand (G>A on the coding strand, the complement: DNMT1 is on the minus strand). VCF-style: chr19-10149596-C-T. GRCh37 (hg19) VCF-style: chr19-10260272-C-T.
Other names: c.2395G>A, p.Ala799Thr (NM_001318730.2, NM_001379.4); c.2080G>A, p.Ala694Thr (NM_001318731.2); c.2443G>A (NM_001130823.2); short protein forms A694T, A815T, A799T.
Identifiers: ClinVar variation 1519451 (VCV001519451.9), dbSNP rs373366822, ClinGen allele CA9188046.
Genomic context (GRCh38, chr19:10,149,596, plus strand): 5'-CATCCACCAAGAACAGCTCCAGAGGGTCCGACGTGGCCCCGAGGACTGTGTCTGTCCCAG[C>T]GCAGAACCAGTGGGCGTGAAACATCTGCCCGTTGCTGCTGTCCTCCCACAGCGCCGTGAC-3'
Protein context (NP_001124295.1, residues 805-825): GQMFHAHWFC[Ala815Thr]GTDTVLGATS

ClinVar aggregate classification (germline): Uncertain significance. Review status: criteria provided, multiple submitters, no conflicts (2 of 4 stars). 2 submissions from 2 submitters: Uncertain significance (2). Last evaluated 2026-05-28.

Conditions:
DNMT1-related disorder. Also called: DNMT1-related condition. Identifiers: MedGen CN381527.
Hereditary sensory neuropathy-deafness-dementia syndrome. Also called: Hereditary sensory neuropathy type IE; NEUROPATHY, HEREDITARY SENSORY, WITH HEARING LOSS AND DEMENTIA; HSN IE; Hereditary Sensory and Autonomic Neuropathy Type 1E (HSAN1E). Identifiers: Orphanet 456318, MedGen C3279885, MONDO:0013584, OMIM 614116.

Allele frequency attached by ClinVar (database versions not stated): ExAC 0.00001; gnomAD 0.00003; TOPMed 0.00003; ESP Exome Variant Server 0.00008.

Submissions (2):

PreventionGenetics, part of Exact Sciences
Classification: Uncertain significance for DNMT1-related condition. Last evaluated: 2026-05-28. Review status: criteria provided, single submitter. Criteria: ACMG Guidelines, 2015. Collection method: clinical testing. Allele origin: germline.
Comment: The DNMT1 c.2443G>A variant is predicted to result in the amino acid substitution p.Ala815Thr. To our knowledge, this variant has not been reported in the literature in individuals with DNMT1-related disorders. This variant is reported in 0.0023% of alleles in individuals of European (Non-Finnish) descent in gnomAD. At this time, the clinical significance of this variant is uncertain due to the absence of conclusive functional and genetic evidence.

Labcorp Genetics (formerly Invitae), Labcorp
Classification: Uncertain significance for Hereditary sensory neuropathy-deafness-dementia syndrome. Last evaluated: 2025-07-09. Review status: criteria provided, single submitter. Criteria: Invitae Variant Classification Sherloc (09022015). Collection method: clinical testing. Allele origin: germline.
Comment: This sequence change replaces alanine, which is neutral and non-polar, with threonine, which is neutral and polar, at codon 815 of the DNMT1 protein (p.Ala815Thr). The frequency data for this variant in the population databases is considered unreliable, as metrics indicate poor data quality at this position in the gnomAD database. This variant has not been reported in the literature in individuals affected with DNMT1-related conditions. ClinVar contains an entry for this variant (Variation ID: 1519451). Invitae Evidence Modeling of protein sequence and biophysical properties (such as structural, functional, and spatial information, amino acid conservation, physicochemical variation, residue mobility, and thermodynamic stability) indicates that this missense variant is not expected to disrupt DNMT1 protein function with a negative predictive value of 80%. In summary, the available evidence is currently insufficient to determine the role of this variant in disease. Therefore, it has been classified as a Variant of Uncertain Significance.